The following is an entry in ClinVar:

ClinVar aggregate classification (germline): Pathogenic (1 of 4 stars; one submission).

Submission:

CeGaT Center for Human Genetics Tuebingen
Classification: Pathogenic. Last evaluated: 2024-01-01. Review status: criteria provided, single submitter. Criteria: CeGaT Center For Human Genetics Tuebingen Variant Classification Criteria Version 2. Collection method: clinical testing. Allele origin: germline. Affected: yes. Observed: 2 variant alleles.
Comment: NEU1: PVS1, PM2

NM_000434.4(NEU1):c.300del (p.Ser101fs)

Gene: NEU1 (neuraminidase 1; minus strand). Cytogenetic location: 6p21.33.
Variant type: Deletion.
Coding change: c.300del on transcript NM_000434.4 (MANE Select); coding-DNA position 300, one base deleted (C; older notation c.300delC).
Protein change: p.Ser101fs; shifts the reading frame from serine 101.
Molecular consequence: frameshift variant.
Genome position (GRCh38, 1-based): chr6:31,862,051, G deleted on the plus strand (C on the coding strand, the reverse complement: NEU1 is on the minus strand); the first of 2 consecutive G bases (chr6:31,862,051-31,862,052); deleting either gives the same sequence. VCF-style (leftmost placement, unchanged base first): chr6-31862050-AG-A. GRCh37 (hg19) VCF-style: chr6-31829827-AG-A.
Other names: short protein forms S101fs.
Identifiers: ClinVar variation 3026737 (VCV003026737.22), dbSNP rs2481408384, ClinGen allele CA2740094284.